The following is an entry in ClinVar:

ClinVar aggregate classification (germline): Uncertain significance (1 of 4 stars; one submission).

Submission:

Labcorp Genetics (formerly Invitae), Labcorp
Classification: Uncertain significance. Last evaluated: 2023-08-08. Review status: criteria provided, single submitter. Criteria: Invitae Variant Classification Sherloc (09022015). Collection method: clinical testing. Allele origin: germline.
Comment: This sequence change replaces tyrosine, which is neutral and polar, with cysteine, which is neutral and slightly polar, at codon 401 of the C1S protein (p.Tyr401Cys). This variant is not present in population databases (gnomAD no frequency). This variant has not been reported in the literature in individuals affected with C1S-related conditions. Advanced modeling of protein sequence and biophysical properties (such as structural, functional, and spatial information, amino acid conservation, physicochemical variation, residue mobility, and thermodynamic stability) performed at Invitae indicates that this missense variant is expected to disrupt C1S protein function. In summary, the available evidence is currently insufficient to determine the role of this variant in disease. Therefore, it has been classified as a Variant of Uncertain Significance.

NM_001734.5(C1S):c.1202A>G (p.Tyr401Cys)

Gene: C1S (complement C1s; plus strand). Cytogenetic location: 12p13.31.
Variant type: single nucleotide variant.
Coding change: c.1202A>G on transcript NM_001734.5 (MANE Select); coding-DNA position 1202, A replaced by G.
Protein change: p.Tyr401Cys; replaces tyrosine 401 with cysteine.
Molecular consequence: missense variant.
Genome position (GRCh38, 1-based): chr12:7,068,462, A>G. VCF-style: chr12-7068462-A-G. GRCh37 (hg19) VCF-style: chr12-7175766-A-G.
Other names: c.701A>G, p.Tyr234Cys (NM_001346850.2); c.1202A>G, p.Tyr401Cys (NM_201442.4); short protein forms Y234C, Y401C.
Identifiers: ClinVar variation 2751274 (VCV002751274.3), dbSNP rs2539604581, ClinGen allele CA383702009.